The following is an entry in ClinVar:

NM_000535.7(PMS2):c.2026_2027del (p.Met676fs)

Gene: PMS2 (PMS1 homolog 2, mismatch repair system component; minus strand). Cytogenetic location: 7p22.1.
Variant type: Deletion.
Coding change: c.2026_2027del on transcript NM_000535.7 (MANE Select); coding-DNA positions 2026 to 2027, 2 bases deleted (AT; older notation c.2026_2027delAT).
Protein change: p.Met676fs; shifts the reading frame from methionine 676.
Molecular consequence: frameshift variant. On other transcripts: non-coding transcript variant (1).
Genome position (GRCh38, 1-based): chr7:5,982,971-5,982,972, AT deleted on the plus strand (AT on the coding strand, the reverse complement: PMS2 is on the minus strand). VCF-style (leftmost placement, unchanged base first): chr7-5982970-CAT-C. GRCh37 (hg19) VCF-style: chr7-6022601-CAT-C.
Other names: c.1621_1622delAT, p.Met541Glyfs (NM_001018040.1, NM_001406887.1, NM_001406888.1 and 11 more transcripts); c.1621_1622del, p.Met541fs (NM_001322003.2, NM_001322004.2, NM_001322005.2 and 1 more transcripts); c.1870_1871del, p.Met624fs (NM_001322006.2); c.1708_1709del, p.Met570fs (NM_001322007.2, NM_001322008.2); c.1465_1466del, p.Met489fs (NM_001322010.2); c.1093_1094del, p.Met365fs (NM_001322011.2, NM_001322012.2); c.1453_1454del, p.Met485fs (NM_001322013.2); c.2026_2027del, p.Met676fs (NM_001322014.2); and 20 more; short protein forms M570fs, M573fs, M624fs, M365fs, M541fs, M485fs, M489fs, M676fs.
Identifiers: ClinVar variation 1784648 (VCV001784648.2), dbSNP rs2535552679, ClinGen allele CA2580076840.
Genomic context (GRCh38, chr7:5,982,970, plus strand): 5'-GAAGATATCCTCATTCAGTTTGGTTATTATAAATCCCAGGTTAAACTGACCAATGATTTC[CAT>C]TTCTGCAAACATCGTTTTACTGCAGGTAGAAAATGTTAATTATCAGACATTTTACAAGAT-3'

ClinVar aggregate classification (germline): Pathogenic (1 of 4 stars; one submission).

Conditions:
Hereditary cancer-predisposing syndrome. Also called: Neoplastic Syndromes, Hereditary; Tumor predisposition; Hereditary Cancer Syndrome; Hereditary neoplastic syndrome. Identifiers: Orphanet 140162, MedGen C0027672, MeSH D009386, MONDO:0015356.

Submission:

Ambry Genetics
Classification: Pathogenic for Hereditary cancer-predisposing syndrome. Last evaluated: 2021-03-03. Review status: criteria provided, single submitter. Criteria: Ambry Variant Classification Scheme 2023. Collection method: clinical testing. Allele origin: germline.
Comment: The c.2026_2027delAT pathogenic mutation, located in coding exon 12 of the PMS2 gene, results from a deletion of two nucleotides at nucleotide positions 2026 to 2027, causing a translational frameshift with a predicted alternate stop codon (p.M676Gfs*7). This alteration is expected to result in loss of function by premature protein truncation or nonsense-mediated mRNA decay. As such, this alteration is interpreted as a disease-causing mutation.